The following is an entry in ClinVar:

ClinVar aggregate classification (germline): Uncertain significance (1 of 4 stars; one submission).

Submission:

Ambry Genetics
Classification: Uncertain significance. Last evaluated: 2024-07-08. Review status: criteria provided, single submitter. Criteria: Ambry Variant Classification Scheme 2023. Collection method: clinical testing. Allele origin: germline.
Comment: The p.T23P variant (also known as c.67A>C), located in coding exon 2 of the RPS20 gene, results from an A to C substitution at nucleotide position 67. The threonine at codon 23 is replaced by proline, an amino acid with highly similar properties. This amino acid position is highly conserved through mammals but not in all available vertebrate species. Based on the available evidence, the clinical significance of this variant remains unclear.

NM_001023.4(RPS20):c.67A>C (p.Thr23Pro)

Gene: RPS20 (ribosomal protein S20; minus strand). Cytogenetic location: 8q12.1.
Variant type: single nucleotide variant.
Coding change: c.67A>C on transcript NM_001023.4 (MANE Select); coding-DNA position 67, A replaced by C.
Protein change: p.Thr23Pro; replaces threonine 23 with proline.
Molecular consequence: missense variant.
Genome position (GRCh38, 1-based): chr8:56,074,096, T>G on the plus strand (A>C on the coding strand, the complement: RPS20 is on the minus strand). VCF-style: chr8-56074096-T-G. GRCh37 (hg19) VCF-style: chr8-56986655-T-G.
Other names: c.67A>C, p.Thr23Pro (NM_001146227.3); short protein forms T23P.
Identifiers: ClinVar variation 3435313 (VCV003435313.1).
Genomic context (GRCh38, chr8:56,074,096, plus strand): 5'-CCCCCGCATAACGAATGCACTGACCCTTTTCCAAGGATTTTACGTTGCGGCTTGTTAGGG[T>G]GATTCGAATTCGGTGAATTGCCACCTCCGGCTCCACGGGTGTTTTTCCGGTATCCTTAAA-3'
Protein context (NP_001014.1, residues 13-33): PEVAIHRIRI[Thr23Pro]LTSRNVKSLE